The following is an entry in ClinVar:

NM_144631.6(ZNF513):c.119T>C (p.Leu40Pro)

Gene: ZNF513 (zinc finger protein 513; minus strand). Cytogenetic location: 2p23.3.
Variant type: single nucleotide variant.
Coding change: c.119T>C on transcript NM_144631.6 (MANE Select); coding-DNA position 119, T replaced by C.
Protein change: p.Leu40Pro; replaces leucine 40 with proline.
Molecular consequence: missense variant. On other transcripts: 5 prime UTR variant (1).
Genome position (GRCh38, 1-based): chr2:27,380,185, A>G on the plus strand (T>C on the coding strand, the complement: ZNF513 is on the minus strand). VCF-style: chr2-27380185-A-G. GRCh37 (hg19) VCF-style: chr2-27603052-A-G.
Other names: c.-68T>C (NM_001201459.2); short protein forms L40P.
Identifiers: ClinVar variation 2780588 (VCV002780588.3), dbSNP rs942843493, ClinGen allele CA44531665.
Genomic context (GRCh38, chr2:27,380,185, plus strand): 5'-TCACTGTTGCCGTCGCCTTCCTCCTCTTCCTCTTCCTCCTCAAACTCCAGATCCTGGCCT[A>G]GTAGCAAATCACTCTCCAATACCAGGGCCCCGGGTCCTTCGTCGAGGGAGTCTTCAGTAT-3'
Protein context (NP_653232.3, residues 30-50): GALVLESDLL[Leu40Pro]GQDLEFEEEE

ClinVar aggregate classification (germline): Uncertain significance (1 of 4 stars; one submission).

Allele frequency attached by ClinVar (database versions not stated): gnomAD exomes 0.00001; TOPMed 0.00001.

Submission:

Labcorp Genetics (formerly Invitae), Labcorp
Classification: Uncertain significance. Last evaluated: 2023-06-10. Review status: criteria provided, single submitter. Criteria: Invitae Variant Classification Sherloc (09022015). Collection method: clinical testing. Allele origin: germline.
Comment: In summary, the available evidence is currently insufficient to determine the role of this variant in disease. Therefore, it has been classified as a Variant of Uncertain Significance. An algorithm developed to predict the effect of missense changes on protein structure and function (PolyPhen-2) suggests that this variant is likely to be disruptive. This variant has not been reported in the literature in individuals affected with ZNF513-related conditions. This variant is not present in population databases (gnomAD no frequency). This sequence change replaces leucine, which is neutral and non-polar, with proline, which is neutral and non-polar, at codon 40 of the ZNF513 protein (p.Leu40Pro).